The following is an entry in ClinVar:

ClinVar aggregate classification (germline): Uncertain significance (1 of 4 stars; one submission).

Conditions:
ACOX2-related disorder. Also called: ACOX2-related condition.

gnomAD v4.1: 15 of 1,614,096 alleles (0.00093%); highest among the groups gnomAD compares: African/African-American, 0.016%; no homozygotes.

Submission:

PreventionGenetics, part of Exact Sciences
Classification: Uncertain significance for ACOX2-related condition. Last evaluated: 2026-03-26. Review status: criteria provided, single submitter. Criteria: ACMG Guidelines, 2015. Collection method: clinical testing. Allele origin: germline.
Comment: The ACOX2 c.1921T>C variant is predicted to result in the amino acid substitution p.Tyr641His. To our knowledge, this variant has not been reported in the literature. This variant is reported in 0.024% of alleles in individuals of African descent in gnomAD. At this time, the clinical significance of this variant is uncertain due to the absence of conclusive functional and genetic evidence.

NM_003500.4(ACOX2):c.1921T>C (p.Tyr641His)

Gene: ACOX2 (acyl-CoA oxidase 2; minus strand). Cytogenetic location: 3p14.3.
Variant type: single nucleotide variant.
Coding change: c.1921T>C on transcript NM_003500.4 (MANE Select); coding-DNA position 1921, T replaced by C.
Protein change: p.Tyr641His; replaces tyrosine 641 with histidine.
Molecular consequence: missense variant.
Genome position (GRCh38, 1-based): chr3:58,508,955, A>G on the plus strand (T>C on the coding strand, the complement: ACOX2 is on the minus strand). VCF-style: chr3-58508955-A-G. GRCh37 (hg19) VCF-style: chr3-58494682-A-G.
Other names: short protein forms Y641H.
Identifiers: ClinVar variation 4990413 (VCV004990413.1).